The following is an entry in ClinVar:

NM_032603.5(LOXL3):c.153_183del (p.Arg51fs)

Genes: DOK1 (docking protein 1; plus strand), LOXL3 (lysyl oxidase like 3; minus strand). Cytogenetic location: 2p13.1.
Variant type: Deletion.
Coding change: c.153_183del on transcript NM_032603.5 (MANE Select); coding-DNA positions 153 to 183, 31 bases deleted.
Protein change: p.Arg51fs; shifts the reading frame from arginine 51.
Molecular consequence: frameshift variant. On other transcripts: intron variant (1).
Genome position (GRCh38, 1-based): chr2:74,552,452-74,552,482, 31 bases deleted; deleting any 31 consecutive bases within chr2:74,552,452-74,552,485 gives the same sequence; the c. name uses the placement nearest the transcript's 3' end. GRCh37 (hg19): chr2:74,779,582-74,779,612.
Other names: c.153_183del, p.Arg51fs (NM_001289164.3); c.-357-2699_-357-2669del (NM_001197260.2); short protein forms R51fs.
Identifiers: ClinVar variation 2712435 (VCV002712435.3), dbSNP rs2530039412, ClinGen allele CA2697548326.

ClinVar aggregate classification (germline): Uncertain significance (1 of 4 stars; one submission).

Submission:

Labcorp Genetics (formerly Invitae), Labcorp
Classification: Uncertain significance. Last evaluated: 2024-01-26. Review status: criteria provided, single submitter. Criteria: Invitae Variant Classification Sherloc (09022015). Collection method: clinical testing. Allele origin: germline.
Comment: This sequence change creates a premature translational stop signal (p.Arg51Serfs*52) in the LOXL3 gene. It is expected to result in an absent or disrupted protein product. However, the current clinical and genetic evidence is not sufficient to establish whether loss-of-function variants in LOXL3 cause disease. This variant is not present in population databases (gnomAD no frequency). This variant has not been reported in the literature in individuals affected with LOXL3-related conditions. In summary, the available evidence is currently insufficient to determine the role of this variant in disease. Therefore, it has been classified as a Variant of Uncertain Significance.